The following is an entry in ClinVar:

NM_002439.5(MSH3):c.2233G>A (p.Val745Met)

Gene: MSH3 (mutS homolog 3; plus strand). Cytogenetic location: 5q14.1.
Variant type: single nucleotide variant.
Coding change: c.2233G>A on transcript NM_002439.5 (MANE Select); coding-DNA position 2233, G replaced by A.
Protein change: p.Val745Met; replaces valine 745 with methionine.
Molecular consequence: missense variant.
Genome position (GRCh38, 1-based): chr5:80,768,983, G>A. VCF-style: chr5-80768983-G-A. GRCh37 (hg19) VCF-style: chr5-80064802-G-A.
Other names: c.2233G>A (NM_002439.3); short protein forms V745M.
Identifiers: ClinVar variation 2894630 (VCV002894630.4), dbSNP rs2112885306, ClinGen allele CA360279745.

ClinVar aggregate classification (germline): Uncertain significance. Review status: criteria provided, multiple submitters, no conflicts (2 of 4 stars). 2 submissions from 2 submitters: Uncertain significance (2). Last evaluated 2025-07-01.

Conditions:
Hereditary cancer-predisposing syndrome. Also called: Neoplastic Syndromes, Hereditary; Hereditary neoplastic syndrome; Tumor predisposition; Hereditary Cancer Syndrome. Identifiers: Orphanet 140162, MedGen C0027672, MeSH D009386, MONDO:0015356.

Submissions (2):

Labcorp Genetics (formerly Invitae), Labcorp
Classification: Uncertain significance. Last evaluated: 2025-07-01. Review status: criteria provided, single submitter. Criteria: Invitae Variant Classification Sherloc (09022015). Collection method: clinical testing. Allele origin: germline.
Comment: This sequence change replaces valine, which is neutral and non-polar, with methionine, which is neutral and non-polar, at codon 745 of the MSH3 protein (p.Val745Met). This variant is not present in population databases (gnomAD no frequency). This variant has not been reported in the literature in individuals affected with MSH3-related conditions. ClinVar contains an entry for this variant (Variation ID: 2894630). An algorithm developed to predict the effect of missense changes on protein structure and function (PolyPhen-2) suggests that this variant is likely to be disruptive. In summary, the available evidence is currently insufficient to determine the role of this variant in disease. Therefore, it has been classified as a Variant of Uncertain Significance.

Ambry Genetics
Classification: Uncertain significance for Hereditary cancer-predisposing syndrome. Last evaluated: 2024-06-26. Review status: criteria provided, single submitter. Criteria: Ambry Variant Classification Scheme 2023. Collection method: clinical testing. Allele origin: germline.
Comment: The p.V745M variant (also known as c.2233G>A), located in coding exon 15 of the MSH3 gene, results from a G to A substitution at nucleotide position 2233. The valine at codon 745 is replaced by methionine, an amino acid with highly similar properties. This amino acid position is conserved. In addition, the in silico prediction for this alteration is inconclusive. Based on the available evidence, the clinical significance of this variant remains unclear.